The following is an entry in ClinVar:

NM_000038.6(APC):c.844A>T (p.Thr282Ser)

Gene: APC (APC regulator of Wnt signaling pathway; plus strand). Cytogenetic location: 5q22.2.
Variant type: single nucleotide variant.
Coding change: c.844A>T on transcript NM_000038.6 (MANE Select); coding-DNA position 844, A replaced by T.
Protein change: p.Thr282Ser; replaces threonine 282 with serine.
Molecular consequence: missense variant. On other transcripts: 5 prime UTR variant (4), non-coding transcript variant (2).
Genome position (GRCh38, 1-based): chr5:112,815,504, A>T. VCF-style: chr5-112815504-A-T. GRCh37 (hg19) VCF-style: chr5-112151201-A-T.
Other names: c.844A>T, p.Thr282Ser (NM_001127510.3, NM_001354895.2, NM_001354896.2 and 12 more transcripts); c.790A>T, p.Thr264Ser (NM_001127511.3); c.874A>T, p.Thr292Ser (NM_001354897.2, NM_001354902.2, NM_001407446.1); c.769A>T, p.Thr257Ser (NM_001354898.2, NM_001354904.2, NM_001407451.1); c.760A>T, p.Thr254Ser (NM_001354899.2, NM_001407452.1, NM_001407467.1 and 1 more transcripts); c.667A>T, p.Thr223Ser (NM_001354900.2, NM_001354901.2, NM_001354905.2 and 1 more transcripts); c.-6A>T (NM_001354906.2, NM_001407470.1, NM_001407471.1 and 1 more transcripts); short protein forms T223S, T257S, T282S, T292S, T254S, T264S.
Identifiers: ClinVar variation 2452676 (VCV002452676.2), dbSNP rs2149762459, ClinGen allele CA16023168.

ClinVar aggregate classification (germline): Uncertain significance (1 of 4 stars; one submission).

Conditions:
Hereditary cancer-predisposing syndrome. Also called: Neoplastic Syndromes, Hereditary; Tumor predisposition; Hereditary neoplastic syndrome; Hereditary Cancer Syndrome. Identifiers: Orphanet 140162, MedGen C0027672, MeSH D009386, MONDO:0015356.

Submission:

Ambry Genetics
Classification: Uncertain significance for Hereditary cancer-predisposing syndrome. Last evaluated: 2022-11-17. Review status: criteria provided, single submitter. Criteria: Ambry Variant Classification Scheme 2023. Collection method: clinical testing. Allele origin: germline.
Comment: The p.T282S variant (also known as c.844A>T), located in coding exon 8 of the APC gene, results from an A to T substitution at nucleotide position 844. The threonine at codon 282 is replaced by serine, an amino acid with similar properties. This amino acid position is poorly conserved in available vertebrate species. In addition, in silico predictors for this gene do not accurately predict pathogenicity. Since supporting evidence is limited at this time, the clinical significance of this alteration remains unclear.